The following is an entry in ClinVar:

NM_000238.4(KCNH2):c.3079dup (p.Leu1027fs)

Gene: KCNH2 (potassium voltage-gated channel subfamily H member 2; minus strand). Cytogenetic location: 7q36.1.
Variant type: Duplication.
Coding change: c.3079dup on transcript NM_000238.4 (MANE Select); coding-DNA position 3079, one base duplicated (C; older notation c.3079dupC).
Protein change: p.Leu1027fs; shifts the reading frame from leucine 1027.
Molecular consequence: frameshift variant.
Genome position (GRCh38, 1-based): chr7:150,947,401, G duplicated on the plus strand (C on the coding strand, the reverse complement: KCNH2 is on the minus strand); the first of 5 consecutive G bases (chr7:150,947,401-150,947,405); duplicating any one gives the same sequence. VCF-style (leftmost placement, unchanged base first): chr7-150947400-A-AG. GRCh37 (hg19) VCF-style: chr7-150644488-A-AG.
Other names: c.2059dup, p.Leu687fs (NM_172057.3); short protein forms L1027fs, L687fs.
Identifiers: ClinVar variation 200695 (VCV000200695.3), dbSNP rs794728465, ClinGen allele CA305335.

ClinVar aggregate classification (germline): Pathogenic (1 of 4 stars; one submission).

Conditions:
Cardiac arrhythmia. Also called: Arrhythmia; Cardiac rhythm disease. Identifiers: MedGen C0003811, MONDO:0007263, HP:0011675.

Submission:

GeneDx
Classification: Pathogenic for Cardiac arrhythmia. Last evaluated: 2014-06-01. Review status: criteria provided, single submitter. Criteria: GeneDx Variant Classification (06012015). Collection method: clinical testing. Allele origin: germline. Affected: yes.
Comment: c.3079dupC: p.Leu1027ProfsX92 (L1027PfsX92) in exon 13 of the KCNH2 gene (NM_000238.2). The normal sequence with the base that is inserted in braces is: CCCC{C}TCTC. Although the c.3079dupC mutation in the KCNH2 gene has not been reported to our knowledge, this mutation causes a shift in reading frame starting at codon Leucine 1027, changing it to a Proline, and creating a premature stop codon at position 92 of the new reading frame, denoted p.Leu1027ProfsX92. This mutation is expected to result in an abnormal, truncated protein product. Other frameshift mutations in the KCNH2 gene have been reported in association with LQTS. In summary, c.3079dupC in the KCNH2 gene is interpreted as a disease-causing mutation. The variant is found in LQT panel(s).